The following is an entry in ClinVar:

ClinVar aggregate classification (germline): Uncertain significance (1 of 4 stars; one submission).

Conditions:
Chuvash polycythemia. Also called: POLYCYTHEMIA, VHL-DEPENDENT. Identifiers: Orphanet 238557, MedGen C1837915, MONDO:0009892, OMIM 263400.
Von Hippel-Lindau syndrome (VHLS). Also called: von Hippel–Lindau syndrome; VHL syndrome; Von Hippel-Lindau. Identifiers: Orphanet 892, MedGen C0019562, MONDO:0008667, OMIM 193300. Disease mechanism: loss of function.

Submission:

Labcorp Genetics (formerly Invitae), Labcorp
Classification: Uncertain significance for Von Hippel-Lindau syndrome; Chuvash polycythemia. Last evaluated: 2025-08-30. Review status: criteria provided, single submitter. Criteria: Invitae Variant Classification Sherloc (09022015). Collection method: clinical testing. Allele origin: germline.
Comment: This sequence change falls in intron 1 of the VHL gene. It is not expected to change the encoded amino acid sequence of the VHL protein. However, this sequence change falls within a cryptic exon in the VHL gene, known as exon E1’, which is naturally expressed at low levels in several human tissues (PMID: 29891534). This variant is not present in population databases (gnomAD no frequency). This variant has not been reported in the literature in individuals affected with VHL-related conditions. Algorithms developed to predict the effect of sequence changes on RNA splicing suggest that this variant is not likely to affect RNA splicing. In summary, the available evidence is currently insufficient to determine the role of this variant in disease. Therefore, it has been classified as a Variant of Uncertain Significance.

Literature cited by the submitters: PubMed 29891534.

NM_000551.4(VHL):c.340+673C>T

Genes: VHL (von Hippel-Lindau tumor suppressor; plus strand), LOC107303340 (3p25 von Hippel-Lindau tumor suppressor, E3 ubiquitin protein ligase Alu-mediated recombination region; plus strand). Cytogenetic location: 3p25.3.
Variant type: single nucleotide variant.
Coding change: c.340+673C>T on transcript NM_000551.4 (MANE Select); 673 bases into the intron after coding-DNA position 340, C replaced by T.
Molecular consequence: intron variant. On other transcripts: synonymous variant (1), non-coding transcript variant (1).
Genome position (GRCh38, 1-based): chr3:10,142,860, C>T. VCF-style: chr3-10142860-C-T. GRCh37 (hg19) VCF-style: chr3-10184544-C-T.
Other names: c.438C>T, p.Ser146= (NM_001354723.2); c.340+673C>T (NM_198156.3).
Identifiers: ClinVar variation 4793777 (VCV004793777.1).
Genomic context (GRCh38, chr3:10,142,860, plus strand): 5'-TGCCCTCGTGGAGAACACATTCCTCCTGGGGAGACTGACAGATGCAAAGACAGGAACAAG[C>T]CAGGGTCATGTTGGCGCCGGAAGAGCCGACCGTGTGTGGCGTGGGAAATTGACTTACCTG-3'